The following is an entry in ClinVar:

NM_004369.4(COL6A3):c.92-59T>C

Gene: COL6A3 (collagen type VI alpha 3 chain; minus strand). Cytogenetic location: 2q37.3.
Variant type: single nucleotide variant.
Coding change: c.92-59T>C on transcript NM_004369.4 (MANE Select); 59 bases into the intron before coding-DNA position 92, T replaced by C.
Molecular consequence: intron variant.
Genome position (GRCh38, 1-based): chr2:237,395,263, A>G on the plus strand (T>C on the coding strand, the complement: COL6A3 is on the minus strand). VCF-style: chr2-237395263-A-G. GRCh37 (hg19) VCF-style: chr2-238303906-A-G.
Other names: c.91+1464T>C (NM_057166.5, NM_057167.4, NM_057164.5 and 1 more transcripts).
Identifiers: ClinVar variation 1248152 (VCV001248152.5), dbSNP rs2645778, ClinGen allele CA11331267.

ClinVar aggregate classification (germline): Benign. Review status: criteria provided, multiple submitters, no conflicts (2 of 4 stars). 3 submissions from 3 submitters: Benign (3). Last evaluated 2024-07-31.

Allele frequency attached by ClinVar (database versions not stated): gnomAD exomes 0.27090; gnomAD 0.35825 and 0.36235; TOPMed 0.37069; 1000 Genomes Project 0.39277; 1000 Genomes Project 30x 0.40287.
gnomAD v4.1: 442,615 of 1,582,598 alleles (28%); highest among the groups gnomAD compares: African/African-American, 58%; 66,551 homozygotes.

Submissions (3):

Unidad de Genómica Garrahan, Hospital de Pediatría Garrahan
Classification: Benign. Last evaluated: 2024-07-31. Review status: criteria provided, single submitter. Criteria: ACMG Guidelines, 2015. Collection method: clinical testing. Allele origin: germline. Affected: no. Observed: 52 variant alleles.
Comment: This variant is classified as Benign based on local population frequency. This variant was detected in 56% of patients studied in a panel designed for Epileptic and Developmental Encephalopathy, Progressive Myoclonus Epilepsy and Abnormal Movements and Neurodegeneration with brain iron accumulation. Number of patients: 52. Only high quality variants are reported.

GeneDx
Classification: Benign. Last evaluated: 2018-06-22. Review status: criteria provided, single submitter. Criteria: GeneDx Variant Classification Process June 2021. Collection method: clinical testing. Allele origin: germline. Affected: yes.

Breakthrough Genomics
Classification: Benign. Review status: criteria provided, single submitter. Criteria: ACMG Guidelines, 2015. Collection method: not provided. Allele origin: germline. Inheritance: Autosomal recessive inheritance. Affected: yes.